The following is an entry in ClinVar:

NM_000374.5(UROD):c.578G>A (p.Arg193His)

Gene: UROD (uroporphyrinogen decarboxylase; plus strand). Cytogenetic location: 1p34.1.
Variant type: single nucleotide variant.
Coding change: c.578G>A on transcript NM_000374.5 (MANE Select); coding-DNA position 578, G replaced by A.
Protein change: p.Arg193His; replaces arginine 193 with histidine.
Molecular consequence: missense variant. On other transcripts: non-coding transcript variant (3).
Genome position (GRCh38, 1-based): chr1:45,014,012, G>A. VCF-style: chr1-45014012-G-A. GRCh37 (hg19) VCF-style: chr1-45479684-G-A.
Other names: short protein forms R193H.
Identifiers: ClinVar variation 875265 (VCV000875265.4), dbSNP rs143823335, ClinGen allele CA21795904.

ClinVar aggregate classification (germline): Uncertain significance (1 of 4 stars; one submission).

Conditions:
Familial porphyria cutanea tarda (PCT). Also called: PCT, ''FAMILIAL'' TYPE; PCT, TYPE II; PORPHYRIA CUTANEA TARDA, TYPE II; PORPHYRIA, HEPATOCUTANEOUS TYPE; UROD DEFICIENCY; UROPORPHYRINOGEN DECARBOXYLASE DEFICIENCY. Identifiers: Orphanet 101330, Orphanet 443062, MedGen C0268323, MONDO:0008296, OMIM 176100.

Allele frequency attached by ClinVar (database versions not stated): gnomAD 0.00003 and 0.00004; TOPMed 0.00005; ESP Exome Variant Server 0.00015.
gnomAD v4.1: 14 of 1,614,092 alleles (0.00087%); highest among the groups gnomAD compares: African/African-American, 0.011%; no homozygotes.

Submission:

Illumina Laboratory Services, Illumina
Classification: Uncertain significance for Familial porphyria cutanea tarda. Last evaluated: 2017-04-27. Review status: criteria provided, single submitter. Criteria: ICSL Variant Classification Criteria 13 December 2019. Collection method: clinical testing. Allele origin: germline.
Comment: This variant was observed as part of a predisposition screen in an ostensibly healthy population. A literature search was performed for the gene, cDNA change, and amino acid change (where applicable). Publications were found based on this search. However, the evidence from the literature, in combination with allele frequency data from public databases where available, was not sufficient to rule this variant in or out of causing disease. Therefore, this variant is classified as a variant of unknown significance.

Literature cited by the submitters: PubMed 11719352; PubMed 19233912.